The following is an entry in ClinVar:

ClinVar aggregate classification (germline): Uncertain significance (1 of 4 stars; one submission).

Conditions:
ALMS1-related disorder. Also called: ALMS1-related condition.

Submission:

PreventionGenetics, part of Exact Sciences
Classification: Uncertain significance for ALMS1-related condition. Last evaluated: 2026-01-20. Review status: criteria provided, single submitter. Criteria: ACMG Guidelines, 2015. Collection method: clinical testing. Allele origin: germline.
Comment: The ALMS1 c.10074A>G variant is not predicted to result in an amino acid change (p.=). This variant occurs at the penultimate nucleotide of exon 13, and is predicted to impact splicing (Alamut Visual Plus v1.6.1). To our knowledge, this variant has not been reported in the literature or in a large population database, indicating this variant is rare. At this time, the clinical significance of this variant is uncertain due to the absence of conclusive functional and genetic evidence.

NM_001378454.1(ALMS1):c.10071A>G (p.Glu3357=)

Gene: ALMS1 (ALMS1 centrosome and basal body associated protein; plus strand). Cytogenetic location: 2p13.1.
Variant type: single nucleotide variant.
Coding change: c.10071A>G on transcript NM_001378454.1 (MANE Select); coding-DNA position 10071, A replaced by G.
Protein change: p.Glu3357=; no amino-acid change (glutamic acid 3357 retained).
Molecular consequence: synonymous variant.
Genome position (GRCh38, 1-based): chr2:73,550,430, A>G. VCF-style: chr2-73550430-A-G. GRCh37 (hg19) VCF-style: chr2-73777557-A-G.
Other names: c.10074A>G, p.Glu3358= (NM_015120.4).
Identifiers: ClinVar variation 4983370 (VCV004983370.1).
Genomic context (GRCh38, chr2:73,550,430, plus strand): 5'-CAGTAAGAGGGTAGTGACTAAGGCATCCTTGCCAGTGGGAGAAAAACCCTTGCAGAATGA[A>G]AATGCAGGTAACTGGATTGGCTTTGTATACTTTGTAGCTTTTTCTCCCCTTTTCATCCTA-3'
Protein context (NP_001365383.1, residues 3347-3367): LPVGEKPLQN[Glu3357=]NADASVQVLI